The following is an entry in ClinVar:

NM_012254.3(SLC27A5):c.149T>C (p.Met50Thr)

Gene: SLC27A5 (solute carrier family 27 member 5; minus strand). Cytogenetic location: 19q13.43.
Variant type: single nucleotide variant.
Coding change: c.149T>C on transcript NM_012254.3 (MANE Select); coding-DNA position 149, T replaced by C.
Protein change: p.Met50Thr; replaces methionine 50 with threonine.
Molecular consequence: missense variant.
Genome position (GRCh38, 1-based): chr19:58,511,807, A>G on the plus strand (T>C on the coding strand, the complement: SLC27A5 is on the minus strand). VCF-style: chr19-58511807-A-G. GRCh37 (hg19) VCF-style: chr19-59023174-A-G.
Other names: c.149T>C, p.Met50Thr (NM_001321196.2); c.149T>C (NM_012254.2); short protein forms M50T.
Identifiers: ClinVar variation 286342 (VCV000286342.13), dbSNP rs35350976, ClinGen allele CA9718340.

ClinVar aggregate classification (germline): Benign. Review status: criteria provided, multiple submitters, no conflicts (2 of 4 stars). 5 submissions from 5 submitters: Benign (4). 1 of the submissions does not count toward it. Last evaluated 2026-02-02.

Conditions:
SLC27A5-related disorder. Also called: SLC27A5-related condition.

Allele frequency attached by ClinVar (database versions not stated): 1000 Genomes Project 30x 0.16052; gnomAD exomes 0.17708 and 0.16755; ExAC 0.25302; TOPMed 0.17654; gnomAD 0.17724 and 0.17463; 1000 Genomes Project 0.16154; ESP Exome Variant Server 0.17113.

Submissions (5):

Labcorp Genetics (formerly Invitae), Labcorp
Classification: Benign. Last evaluated: 2026-02-02. Review status: criteria provided, single submitter. Criteria: Invitae Variant Classification Sherloc (09022015). Collection method: clinical testing. Allele origin: germline.

Mayo Clinic Laboratories, Mayo Clinic
Classification: Benign. Last evaluated: 2022-05-05. Review status: criteria provided, single submitter. Criteria: ACMG Guidelines, 2015. Collection method: clinical testing. Allele origin: germline. Observed: 173 variant alleles.

Eurofins Ntd Llc (ga)
Classification: Benign. Last evaluated: 2016-02-10. Review status: criteria provided, single submitter. Criteria: EGL Classification Definitions 2015. Collection method: clinical testing. Allele origin: germline. Observed: 5 variant alleles, 5 heterozygotes.

Breakthrough Genomics
Classification: Benign. Review status: criteria provided, single submitter. Criteria: ACMG Guidelines, 2015. Collection method: not provided. Allele origin: germline. Inheritance: Unknown mechanism. Affected: yes.

PreventionGenetics, part of Exact Sciences
Classification: Benign for SLC27A5-related condition. Last evaluated: 2023-06-28. Review status: no assertion criteria provided. Collection method: clinical testing. Allele origin: germline. Not counted in ClinVar's aggregate classification.
Comment: This variant is classified as benign based on ACMG/AMP sequence variant interpretation guidelines (Richards et al. 2015 PMID: 25741868, with internal and published modifications).